The following is an entry in ClinVar:

ClinVar aggregate classification (germline): Likely benign. Review status: criteria provided, multiple submitters, no conflicts (2 of 4 stars). 2 submissions from 2 submitters: Likely benign (2). Last evaluated 2026-05-28.

Conditions:
MKKS-related disorder. Also called: MKKS-related disorders; MKKS-related condition.
Bardet-Biedl syndrome (BBS). Identifiers: Orphanet 110, MedGen C0752166, MONDO:0015229.
McKusick-Kaufman syndrome (MKKS). Also called: HYDROMETROCOLPOS SYNDROME; HYDROMETROCOLPOS, POSTAXIAL POLYDACTYLY, AND CONGENITAL HEART MALFORMATION. Identifiers: Orphanet 2473, MedGen C0948368, MONDO:0009367, OMIM 236700.

gnomAD v4.1: 2 of 1,614,192 alleles (0.00012%); highest among the groups gnomAD compares: Non-Finnish European, 0.00017%; no homozygotes.

Submissions (2):

PreventionGenetics, part of Exact Sciences
Classification: Likely benign for MKKS-related condition. Last evaluated: 2026-05-28. Review status: criteria provided, single submitter. Criteria: ACMG Guidelines, 2015. Collection method: clinical testing. Allele origin: germline.
Comment: This variant is classified as likely benign based on ACMG/AMP sequence variant interpretation guidelines (Richards et al. 2015 PMID: 25741868, with internal and published modifications).

Labcorp Genetics (formerly Invitae), Labcorp
Classification: Likely benign for McKusick-Kaufman syndrome; Bardet-Biedl syndrome. Last evaluated: 2025-06-29. Review status: criteria provided, single submitter. Criteria: Invitae Variant Classification Sherloc (09022015). Collection method: clinical testing. Allele origin: germline.

NM_170784.3(MKKS):c.1566A>T (p.Pro522=)

Gene: MKKS (MKKS centrosomal shuttling protein; minus strand). Cytogenetic location: 20p12.2.
Variant type: single nucleotide variant.
Coding change: c.1566A>T on transcript NM_170784.3 (MANE Select); coding-DNA position 1566, A replaced by T.
Protein change: p.Pro522=; no amino-acid change (proline 522 retained).
Molecular consequence: synonymous variant. On other transcripts: non-coding transcript variant (1).
Genome position (GRCh38, 1-based): chr20:10,405,394, T>A on the plus strand (A>T on the coding strand, the complement: MKKS is on the minus strand). VCF-style: chr20-10405394-T-A. GRCh37 (hg19) VCF-style: chr20-10386042-T-A.
Other names: c.1566A>T, p.Pro522= (NM_018848.3).
Identifiers: ClinVar variation 4788733 (VCV004788733.2).